The following is an entry in ClinVar:

NM_024301.5(FKRP):c.515dup (p.Asn172fs)

Gene: FKRP (fukutin related protein; plus strand). Cytogenetic location: 19q13.32.
Variant type: Duplication.
Coding change: c.515dup on transcript NM_024301.5 (MANE Select); coding-DNA position 515, one base duplicated (A; older notation c.515dupA).
Protein change: p.Asn172fs; shifts the reading frame from asparagine 172.
Molecular consequence: frameshift variant.
Genome position (GRCh38, 1-based): chr19:46,755,965, A duplicated; the last of 2 consecutive A bases (chr19:46,755,964-46,755,965); duplicating either gives the same sequence. VCF-style (leftmost placement, unchanged base first): chr19-46755963-G-GA. GRCh37 (hg19) VCF-style: chr19-47259220-G-GA.
Other names: c.515dup, p.Asn172fs (NM_001039885.3); short protein forms N172fs.
Identifiers: ClinVar variation 1068850 (VCV001068850.10), dbSNP rs2122617005, ClinGen allele CA2499225522.

ClinVar aggregate classification (germline): Pathogenic/Likely pathogenic. Review status: criteria provided, multiple submitters, no conflicts (2 of 4 stars). 2 submissions from 2 submitters: Pathogenic (1); Likely pathogenic (1). Last evaluated 2024-02-05.

Conditions:
Walker-Warburg congenital muscular dystrophy. Also called: Muscular dystrophy-dystroglycanopathy, type A; Walker-Warburg syndrome. Identifiers: Orphanet 899, MedGen C0265221, MONDO:0000171.

Submissions (2):

Revvity Omics, Revvity
Classification: Likely pathogenic. Last evaluated: 2024-02-05. Review status: criteria provided, single submitter. Criteria: ACMG Guidelines, 2015. Collection method: clinical testing. Allele origin: germline.

Labcorp Genetics (formerly Invitae), Labcorp
Classification: Pathogenic for Walker-Warburg congenital muscular dystrophy. Last evaluated: 2020-08-20. Review status: criteria provided, single submitter. Criteria: Invitae Variant Classification Sherloc (09022015). Collection method: clinical testing. Allele origin: germline.
Comment: For these reasons, this variant has been classified as Pathogenic. This variant disrupts the C-terminus of the FKRP protein. Other variant(s) that disrupt this region (p.Trp432* ) have been determined to be pathogenic (Invitae). This suggests that variants that disrupt this region of the protein are likely to be causative of disease. This variant has not been reported in the literature in individuals with FKRP-related conditions. The frequency data for this variant in the population databases is considered unreliable, as metrics indicate insufficient coverage at this position in the ExAC database. This sequence change results in a premature translational stop signal in the FKRP gene (p.Asn172Lysfs*87). While this is not anticipated to result in nonsense mediated decay, it is expected to disrupt the last 324 amino acids of the FKRP protein.